The following is an entry in ClinVar:

ClinVar aggregate classification (germline): Uncertain significance (1 of 4 stars; one submission).

Submission:

CeGaT Center for Human Genetics Tuebingen
Classification: Uncertain significance. Last evaluated: 2024-04-01. Review status: criteria provided, single submitter. Criteria: CeGaT Center For Human Genetics Tuebingen Variant Classification Criteria Version 2. Collection method: clinical testing. Allele origin: germline. Affected: yes. Observed: 1 variant allele.
Comment: SHANK1: PM2, PP2

NM_016148.5(SHANK1):c.2804C>T (p.Thr935Ile)

Gene: SHANK1 (SH3 and multiple ankyrin repeat domains 1; minus strand). Cytogenetic location: 19q13.33.
Variant type: single nucleotide variant.
Coding change: c.2804C>T on transcript NM_016148.5 (MANE Select); coding-DNA position 2804, C replaced by T.
Protein change: p.Thr935Ile; replaces threonine 935 with isoleucine.
Molecular consequence: missense variant.
Genome position (GRCh38, 1-based): chr19:50,669,156, G>A on the plus strand (C>T on the coding strand, the complement: SHANK1 is on the minus strand). VCF-style: chr19-50669156-G-A. GRCh37 (hg19) VCF-style: chr19-51172413-G-A.
Other names: short protein forms T935I.
Identifiers: ClinVar variation 3234575 (VCV003234575.20), dbSNP rs2513887840, ClinGen allele CA407019039.